The following is an entry in ClinVar:

ClinVar aggregate classification (germline): Uncertain significance. Review status: criteria provided, multiple submitters, no conflicts (2 of 4 stars). 3 submissions from 3 submitters: Uncertain significance (3). Last evaluated 2024-05-31.

Conditions:
Hereditary cancer-predisposing syndrome. Also called: Hereditary Cancer Syndrome; Neoplastic Syndromes, Hereditary; Tumor predisposition; Hereditary neoplastic syndrome. Identifiers: Orphanet 140162, MedGen C0027672, MeSH D009386, MONDO:0015356.
Familial cancer of breast. Also called: BREAST CANCER, FAMILIAL; Hereditary breast cancer; hereditary breast carcinoma. Identifiers: Orphanet 227535, MedGen C0346153, MONDO:0016419, OMIM 114480. Disease mechanism: loss of function.

Submissions (3):

Ambry Genetics
Classification: Uncertain significance for Hereditary cancer-predisposing syndrome. Last evaluated: 2024-05-31. Review status: criteria provided, single submitter. Criteria: Ambry Variant Classification Scheme 2023. Collection method: clinical testing. Allele origin: germline.
Comment: The c.1942_1948delCTTAAAGinsA variant (also known as p.L648_E650delinsK), located in coding exon 5 of the PALB2 gene, results from an in-frame deletion of CTTAAAG and insertion of A at nucleotide positions 1942 to 1948. This results in the deletion of leucine, lysine, and glutamic acid residues and the insertion of a lysine residue at codons 648 to 650. This amino acid region is not well conserved in available vertebrate species. In addition, this alteration is predicted to be deleterious by in silico analysis (Choi Y et al. PLoS ONE. 2012; 7(10):e46688). Based on the available evidence, the clinical significance of this variant remains unclear.

GeneDx
Classification: Uncertain significance. Last evaluated: 2024-01-24. Review status: criteria provided, single submitter. Criteria: GeneDx Variant Classification Process June 2021. Collection method: clinical testing. Allele origin: germline. Affected: yes.
Comment: In-frame deletion of 3 amino acids and insertion of 1 different amino acid in a non-repeat region; Has not been previously published as pathogenic or benign to our knowledge; Not observed at significant frequency in large population cohorts (gnomAD); In silico analysis supports that this variant does not alter protein structure/function; This variant is associated with the following publications: (PMID: 22941656)

Labcorp Genetics (formerly Invitae), Labcorp
Classification: Uncertain significance for Hereditary Breast Carcinoma. Last evaluated: 2018-10-06. Review status: criteria provided, single submitter. Criteria: Invitae Variant Classification Sherloc (09022015). Collection method: clinical testing. Allele origin: germline.
Comment: This variant, c.1942_1948delinsA,Â¬â€ is a complex sequence change thatÂ¬â€ replaces 3 amino acidsÂ¬â€ of the PALB2 proteinÂ¬â€ at codons 648-650 with a different amino acid (p.Leu648_Glu650delinsLys), but otherwise preserves the integrity of the reading frame. This variant is not present in population databases (ExAC no frequency). This variant has not been reported in the literature in individuals with PALB2-related disease. ClinVar contains an entry for this variant (Variation ID:Â¬â€ 480274). Experimental studies and prediction algorithms are not available for this variant, and the functional significance of the disrupted amino acids is currently unknown. In summary, the available evidence is currently insufficient to determine the role of this variant in disease. Therefore, it has been classified as a Variant of Uncertain Significance.

NM_024675.4(PALB2):c.1942_1948delinsA (p.Leu648_Glu650delinsLys)

Gene: PALB2 (partner and localizer of BRCA2; minus strand). Cytogenetic location: 16p12.2.
Variant type: Indel.
Coding change: c.1942_1948delinsA on transcript NM_024675.4 (MANE Select); coding-DNA positions 1942 to 1948, CTTAAAG replaced by A.
Protein change: p.Leu648_Glu650delinsLys.
Molecular consequence: inframe indel.
Genome position (GRCh38, 1-based): chr16:23,630,206-23,630,212, CTTTAAG replaced by T on the plus strand (CTTAAAG replaced by A on the coding strand, the reverse complement: PALB2 is on the minus strand). VCF-style: chr16-23630206-CTTTAAG-T. GRCh37 (hg19) VCF-style: chr16-23641527-CTTTAAG-T.
Other names: c.1942_1948delCTTAAAGinsA (NM_024675.3).
Identifiers: ClinVar variation 480274 (VCV000480274.9), dbSNP rs1555460577, ClinGen allele CA658658413.
Genomic context (GRCh38, chr16:23,630,206, plus strand): 5'-CCTCCATTTCTGTATCCATGCGTTTAGGACTCAGTTCCTCTGGAAAAATACAGCTTCCCT[CTTTAAG>T]ATGTCTCTCTCCAAACATTTTTGACTCAAAGGGCTCCACTGGTTTTTCTGAGCAGGACTT-3'